The following is an entry in ClinVar:

ClinVar aggregate classification (germline): Uncertain significance (1 of 4 stars; one submission).

Conditions:
Familial acute necrotizing encephalopathy (IIAE3). Also called: ENCEPHALOPATHY, ACUTE, INFECTION-INDUCED, SUSCEPTIBILITY TO, 3; Susceptibility to Acute Necrotizing Encephalopathy 1. Identifiers: Orphanet 88619, MedGen C2675556, MONDO:0011953, OMIM 608033.

Allele frequency attached by ClinVar (database versions not stated): TOPMed below 0.00001.
gnomAD v4.1: 11 of 1,611,730 alleles (0.00068%); highest among the groups gnomAD compares: Admixed American, 0.0017%; no homozygotes.

Submission:

Labcorp Genetics (formerly Invitae), Labcorp
Classification: Uncertain significance for Familial acute necrotizing encephalopathy. Last evaluated: 2026-01-17. Review status: criteria provided, single submitter. Criteria: Invitae Variant Classification Sherloc (09022015). Collection method: clinical testing. Allele origin: germline.
Comment: This sequence change replaces valine, which is neutral and non-polar, with isoleucine, which is neutral and non-polar, at codon 548 of the RANBP2 protein (p.Val548Ile). This variant is not present in population databases (gnomAD no frequency). This variant has not been reported in the literature in individuals affected with RANBP2-related conditions. ClinVar contains an entry for this variant (Variation ID: 1417951). An algorithm developed to predict the effect of missense changes on protein structure and function (PolyPhen-2) suggests that this variant is likely to be tolerated. In summary, the available evidence is currently insufficient to determine the role of this variant in disease. Therefore, it has been classified as a Variant of Uncertain Significance.

NM_006267.5(RANBP2):c.1642G>A (p.Val548Ile)

Gene: RANBP2 (RAN binding protein 2; plus strand). Cytogenetic location: 2q13.
Variant type: single nucleotide variant.
Coding change: c.1642G>A on transcript NM_006267.5 (MANE Select); coding-DNA position 1642, G replaced by A.
Protein change: p.Val548Ile; replaces valine 548 with isoleucine.
Molecular consequence: missense variant.
Genome position (GRCh38, 1-based): chr2:108,751,881, G>A. VCF-style: chr2-108751881-G-A. GRCh37 (hg19) VCF-style: chr2-109368337-G-A.
Other names: short protein forms V548I.
Identifiers: ClinVar variation 1417951 (VCV001417951.9), dbSNP rs1057954, ClinGen allele CA53443367.